The following is an entry in ClinVar:

ClinVar aggregate classification (germline): Uncertain significance. Review status: criteria provided, multiple submitters, no conflicts (2 of 4 stars). 2 submissions from 2 submitters: Uncertain significance (2). Last evaluated 2025-01-27.

Conditions:
PIDD1-related disorder. Also called: PIDD1-related condition.
Inborn genetic diseases. Identifiers: MedGen C0950123, MeSH D030342.

Allele frequency attached by ClinVar (database versions not stated): gnomAD exomes 0.00003; ExAC 0.00007; ESP Exome Variant Server 0.00008; gnomAD 0.00008; TOPMed 0.00009.

Submissions (2):

Ambry Genetics
Classification: Uncertain significance for Inborn genetic diseases. Last evaluated: 2025-01-27. Review status: criteria provided, single submitter. Criteria: Ambry Variant Classification Scheme 2023. Collection method: clinical testing. Allele origin: germline.

PreventionGenetics, part of Exact Sciences
Classification: Uncertain significance for PIDD1-related condition. Last evaluated: 2023-08-30. Review status: criteria provided, single submitter. Criteria: ACMG Guidelines, 2015. Collection method: clinical testing. Allele origin: germline.
Comment: The PIDD1 c.2200G>A variant is predicted to result in the amino acid substitution p.Glu734Lys. To our knowledge, this variant has not been reported in the literature. This variant is reported in 0.017% of alleles in individuals of Latino descent in gnomAD. At this time, the clinical significance of this variant is uncertain due to the absence of conclusive functional and genetic evidence.

NM_145886.4(PIDD1):c.2200G>A (p.Glu734Lys)

Gene: PIDD1 (p53-induced death domain protein 1; minus strand). Cytogenetic location: 11p15.5.
Variant type: single nucleotide variant.
Coding change: c.2200G>A on transcript NM_145886.4 (MANE Select); coding-DNA position 2200, G replaced by A.
Protein change: p.Glu734Lys; replaces glutamic acid 734 with lysine.
Molecular consequence: missense variant.
Genome position (GRCh38, 1-based): chr11:800,205, C>T on the plus strand (G>A on the coding strand, the complement: PIDD1 is on the minus strand). VCF-style: chr11-800205-C-T. GRCh37 (hg19) VCF-style: chr11-800205-C-T.
Other names: c.2149G>A, p.Glu717Lys (NM_145887.4); short protein forms E717K, E734K.
Identifiers: ClinVar variation 2634352 (VCV002634352.2), dbSNP rs374329306, ClinGen allele CA5789665.